The following is an entry in ClinVar:

ClinVar aggregate classification (germline): Uncertain significance. Review status: criteria provided, multiple submitters, no conflicts (2 of 4 stars). 2 submissions from 2 submitters: Uncertain significance (2). Last evaluated 2024-11-11.

Allele frequency attached by ClinVar (database versions not stated): gnomAD 0.00002 and 0.00004; TOPMed 0.00003; ESP Exome Variant Server 0.00008; 1000 Genomes Project 30x 0.00016; 1000 Genomes Project 0.00020.
gnomAD v4.1: 53 of 1,614,060 alleles (0.0033%); highest among the groups gnomAD compares: Middle Eastern, 0.099%; no homozygotes.

Submissions (2):

Labcorp Genetics (formerly Invitae), Labcorp
Classification: Uncertain significance. Last evaluated: 2024-11-11. Review status: criteria provided, single submitter. Criteria: Invitae Variant Classification Sherloc (09022015). Collection method: clinical testing. Allele origin: germline.
Comment: This sequence change replaces arginine, which is basic and polar, with methionine, which is neutral and non-polar, at codon 610 of the CEP63 protein (p.Arg610Met). This variant is present in population databases (rs375438421, gnomAD 0.008%). This variant has not been reported in the literature in individuals affected with CEP63-related conditions. ClinVar contains an entry for this variant (Variation ID: 210702). An algorithm developed to predict the effect of missense changes on protein structure and function (PolyPhen-2) suggests that this variant is likely to be tolerated. In summary, the available evidence is currently insufficient to determine the role of this variant in disease. Therefore, it has been classified as a Variant of Uncertain Significance.

Genetic Services Laboratory, University of Chicago
Classification: Uncertain significance. Last evaluated: 2014-10-29. Review status: criteria provided, single submitter. Criteria: ACMG Guidelines, 2015. Collection method: clinical testing. Allele origin: germline.

NM_001353108.3(CEP63):c.1829G>T (p.Arg610Met)

Gene: CEP63 (centrosomal protein 63; plus strand). Cytogenetic location: 3q22.2.
Variant type: single nucleotide variant.
Coding change: c.1829G>T on transcript NM_001353108.3 (MANE Select); coding-DNA position 1829, G replaced by T.
Protein change: p.Arg610Met; replaces arginine 610 with methionine.
Molecular consequence: missense variant. On other transcripts: non-coding transcript variant (3), intron variant (17).
Genome position (GRCh38, 1-based): chr3:134,559,305, G>T. VCF-style: chr3-134559305-G-T. GRCh37 (hg19) VCF-style: chr3-134278147-G-T.
Other names: c.1691G>T, p.Arg564Met (NM_001353109.1); c.1829G>T, p.Arg610Met (NM_025180.5); c.1467+7293G>T (NM_001353113.1, NM_001353117.2); c.1329+7293G>T (NM_001042384.2, NM_001353124.2, NM_001353123.2); c.1330-2072G>T (NM_001353122.1, NM_001042383.2, NM_001353121.2 and 2 more transcripts); c.1468-2072G>T (NM_001353110.1, NM_001353112.2, NM_001353111.2 and 1 more transcripts); c.1357-2072G>T (NM_001353118.1); c.967-2072G>T (NM_001353126.2); and 1 more; short protein forms R610M, R564M.
Identifiers: ClinVar variation 210702 (VCV000210702.11), dbSNP rs375438421, ClinGen allele CA206073.